The following is an entry in ClinVar:

ClinVar aggregate classification (germline): Uncertain significance (1 of 4 stars; one submission).

Conditions:
Aortic aneurysm, familial thoracic 8 (AAT8). Identifiers: MedGen C3809513, MONDO:0014187, OMIM 615436.

Submission:

Labcorp Genetics (formerly Invitae), Labcorp
Classification: Uncertain significance for Aortic aneurysm, familial thoracic 8. Last evaluated: 2018-03-11. Review status: criteria provided, single submitter. Criteria: Invitae Variant Classification Sherloc (09022015). Collection method: clinical testing. Allele origin: germline.
Comment: In summary, the available evidence is currently insufficient to determine the role of this variant in disease. Therefore, it has been classified as a Variant of Uncertain Significance. This sequence change replaces phenylalanine with serine at codon 533 of the PRKG1 protein (p.Phe533Ser). The phenylalanine residue is highly conserved and there is a large physicochemical difference between phenylalanine and serine. This variant is not present in population databases (ExAC no frequency). This variant has not been reported in the literature in individuals with PRKG1-related disease. ClinVar contains an entry for this variant (Variation ID: 407090). Algorithms developed to predict the effect of missense changes on protein structure and function (SIFT, PolyPhen-2, Align-GVGD) all suggest that this variant is likely to be disruptive, but these predictions have not been confirmed by published functional studies and their clinical significance is uncertain.

NM_006258.4(PRKG1):c.1598T>C (p.Phe533Ser)

Gene: PRKG1 (protein kinase cGMP-dependent 1; plus strand). Cytogenetic location: 10q21.1.
Variant type: single nucleotide variant.
Coding change: c.1598T>C on transcript NM_006258.4 (MANE Select); coding-DNA position 1598, T replaced by C.
Protein change: p.Phe533Ser; replaces phenylalanine 533 with serine.
Molecular consequence: missense variant.
Genome position (GRCh38, 1-based): chr10:52,282,205, T>C. VCF-style: chr10-52282205-T-C. GRCh37 (hg19) VCF-style: chr10-54041965-T-C.
Other names: c.1553T>C, p.Phe518Ser (LRG_1135t2, NM_001098512.3); c.1598T>C, p.Phe533Ser (LRG_1135t1); short protein forms F533S, F518S.
Identifiers: ClinVar variation 407090 (VCV000407090.8), dbSNP rs1060501403, ClinGen allele CA16613105.